The following is an entry in ClinVar:

NM_001379110.1(SLC9A6):c.1940A>G (p.Asp647Gly)

Gene: SLC9A6 (solute carrier family 9 member A6; plus strand). Cytogenetic location: Xq26.3.
Variant type: single nucleotide variant.
Coding change: c.1940A>G on transcript NM_001379110.1 (MANE Select); coding-DNA position 1940, A replaced by G.
Protein change: p.Asp647Gly; replaces aspartic acid 647 with glycine.
Molecular consequence: missense variant.
Genome position (GRCh38, 1-based): chrX:136,044,624, A>G. VCF-style: chrX-136044624-A-G. GRCh37 (hg19) VCF-style: chrX-135126783-A-G.
Other names: c.2006A>G, p.Asp669Gly (NM_001042537.2); c.1850A>G, p.Asp617Gly (NM_001177651.2, NM_001400909.1, NM_001400910.1 and 2 more transcripts); c.1754A>G, p.Asp585Gly (NM_001330652.2, NM_001400913.1); c.1910A>G, p.Asp637Gly (NM_006359.3); short protein forms D585G, D617G, D637G, D647G, D669G.
Identifiers: ClinVar variation 3623603 (VCV003623603.2).

ClinVar aggregate classification (germline): Uncertain significance (1 of 4 stars; one submission).

Conditions:
Christianson syndrome (MRXSCH). Also called: X-linked mental retardation, syndromic, Christianson type; INTELLECTUAL DEVELOPMENTAL DISORDER, X-LINKED, SYNDROMIC, CHRISTIANSON TYPE; SLC9A6-Related Syndromic Mental Retardation. Identifiers: Orphanet 85278, MedGen C2678194, MONDO:0010278, OMIM 300243.

Submission:

Labcorp Genetics (formerly Invitae), Labcorp
Classification: Uncertain significance for Christianson syndrome. Last evaluated: 2024-12-15. Review status: criteria provided, single submitter. Criteria: Invitae Variant Classification Sherloc (09022015). Collection method: clinical testing. Allele origin: germline.
Comment: This sequence change replaces aspartic acid, which is acidic and polar, with glycine, which is neutral and non-polar, at codon 637 of the SLC9A6 protein (p.Asp637Gly). This variant is not present in population databases (gnomAD no frequency). This variant has not been reported in the literature in individuals affected with SLC9A6-related conditions. An algorithm developed to predict the effect of missense changes on protein structure and function (PolyPhen-2) suggests that this variant is likely to be disruptive. In summary, the available evidence is currently insufficient to determine the role of this variant in disease. Therefore, it has been classified as a Variant of Uncertain Significance.